The following is an entry in ClinVar:

NM_006852.6(TLK2):c.1637G>A (p.Arg546Gln)

Gene: TLK2 (tousled like kinase 2; plus strand). Cytogenetic location: 17q23.2.
Variant type: single nucleotide variant.
Coding change: c.1637G>A on transcript NM_006852.6 (MANE Select); coding-DNA position 1637, G replaced by A.
Protein change: p.Arg546Gln; replaces arginine 546 with glutamine.
Molecular consequence: missense variant.
Genome position (GRCh38, 1-based): chr17:62,600,737, G>A. VCF-style: chr17-62600737-G-A. GRCh37 (hg19) VCF-style: chr17-60678098-G-A.
Other names: c.1703G>A, p.Arg568Gln (NM_001284333.3); c.1541G>A, p.Arg514Gln (NM_001284363.1, NM_001375272.1); c.1190G>A, p.Arg397Gln (NM_001330418.3, NM_001375273.1); c.1679G>A, p.Arg560Gln (NM_001375269.1); c.1637G>A, p.Arg546Gln (NM_001375270.1, NM_001375271.1); short protein forms R397Q, R514Q, R546Q, R560Q, R568Q.
Identifiers: ClinVar variation 1199221 (VCV001199221.6), dbSNP rs2147165727, ClinGen allele CA400511011.

ClinVar aggregate classification (germline): Conflicting classifications of pathogenicity. Review status: criteria provided, conflicting classifications (1 of 4 stars). 2 submissions from 2 submitters: Likely pathogenic (1); Uncertain significance (1). Last evaluated 2022-10-04.

Conditions:
Intellectual developmental disorder, autosomal dominant 57. Also called: MENTAL RETARDATION, AUTOSOMAL DOMINANT 57; Intellectual disability, autosomal dominant 57. Identifiers: MedGen C4748003, MONDO:0054837, OMIM 618050.

Submissions (2):

Genetics Laboratory, UDIAT-Centre Diagnòstic, Hospital Universitari Parc Tauli
Classification: Likely pathogenic for Intellectual developmental disorder, autosomal dominant 57. Last evaluated: 2022-10-04. Review status: criteria provided, single submitter. Criteria: Parc Tauli Hospital Assertion Criteria 2021. Collection method: clinical testing. Allele origin: de novo. Inheritance: Autosomal dominant inheritance. Affected: yes.
Comment: PM2_supporting;PM5;PM6;PP2

Illumina Laboratory Services, Illumina
Classification: Uncertain significance for Intellectual developmental disorder, autosomal dominant 57. Last evaluated: 2021-02-24. Review status: criteria provided, single submitter. Criteria: ICSLVariantClassificationCriteria RUGD 01 April 2020. Collection method: clinical testing. Allele origin: unknown.
Comment: The TLK2 c.1637G>A (p.Arg546Gln) is a missense variant that is also known as c.1703G>A (p.Arg568Gln). A literature search was performed for the gene, cDNA change, and amino acid change. No publications were found based on this search. This variant is not found in the Genome Aggregation Database in a region of good sequence coverage, so is presumed to be rare. The p.Arg546Gln variant is located in the functionally significant protein kinase domain of TLK2. In addition, another missense change at the same residue, p.Arg546Trp, has been identified in an individual with a neurodevelopmental disorder (Reijnders et al. 2018). Based on the current evidence, the p.Arg546Gln variant is classified as a variant of uncertain significance for TLK2-related neurodevelopmental disorder.

Literature cited by the submitters: PubMed 29861108 (cited by Illumina Laboratory Services, Illumina).